The following is an entry in ClinVar:

NM_001009944.3(PKD1):c.9656T>G (p.Leu3219Arg)

Gene: PKD1 (polycystin 1, transient receptor potential channel interacting; minus strand). Cytogenetic location: 16p13.3.
Variant type: single nucleotide variant.
Coding change: c.9656T>G on transcript NM_001009944.3 (MANE Select); coding-DNA position 9656, T replaced by G.
Protein change: p.Leu3219Arg; replaces leucine 3219 with arginine.
Molecular consequence: missense variant.
Genome position (GRCh38, 1-based): chr16:2,100,222, A>C on the plus strand (T>G on the coding strand, the complement: PKD1 is on the minus strand). VCF-style: chr16-2100222-A-C. GRCh37 (hg19) VCF-style: chr16-2150223-A-C.
Other names: c.9656T>G, p.Leu3219Arg (NM_000296.4); short protein forms L3219R.
Identifiers: ClinVar variation 2632703 (VCV002632703.2), dbSNP rs2544715606, ClinGen allele CA394355137.

ClinVar aggregate classification (germline): Uncertain significance. Review status: criteria provided, multiple submitters, no conflicts (2 of 4 stars). 2 submissions from 2 submitters: Uncertain significance (2). Last evaluated 2024-06-14.

Conditions:
PKD1-related disorder. Also called: PKD1-related condition.
Polycystic kidney disease, adult type (PKD1). Also called: POLYCYSTIC KIDNEY DISEASE 1 WITH OR WITHOUT POLYCYSTIC LIVER DISEASE; Polycystic Kidney Disease 1, Autosomal Dominant; Polycystic kidney disease 1; Polycystic kidney disease 1, severe; Polycystic Kidney, Autosomal Dominant; POLYCYSTIC KIDNEY DISEASE, ADULT, TYPE I. Identifiers: MedGen C3149841, MONDO:0008263, OMIM 173900.

Submissions (2):

Fulgent Genetics
Classification: Uncertain significance for Polycystic kidney disease, adult type. Last evaluated: 2024-06-14. Review status: criteria provided, single submitter. Criteria: ACMG Guidelines, 2015. Collection method: clinical testing. Allele origin: germline.

PreventionGenetics, part of Exact Sciences
Classification: Uncertain significance for PKD1-related condition. Last evaluated: 2023-06-12. Review status: criteria provided, single submitter. Criteria: ACMG Guidelines, 2015. Collection method: clinical testing. Allele origin: germline.
Comment: The PKD1 c.9656T>G variant is predicted to result in the amino acid substitution p.Leu3219Arg. To our knowledge, this variant has not been reported in the literature or in a large population database, indicating it is rare. At this time, the clinical significance of this variant is uncertain due to the absence of conclusive functional and genetic evidence.